The following is an entry in ClinVar:

ClinVar aggregate classification (germline): Pathogenic (1 of 4 stars; one submission).

gnomAD v4.1: 5 of 1,567,458 alleles (0.00032%); highest among the groups gnomAD compares: Non-Finnish European, 0.00043%; no homozygotes.

Submission:

Quest Diagnostics Nichols Institute San Juan Capistrano
Classification: Pathogenic. Last evaluated: 2023-11-29. Review status: criteria provided, single submitter. Criteria: Quest Diagnostics criteria. Collection method: clinical testing. Allele origin: unknown.
Comment: The APOB c.12382G>T (p.Val4128Leu) variant has not been reported in individuals with APOB-related conditions in the published literature. The frequency of this variant in the general population, 0.0000046 (1/217010 chromosomes (Genome Aggregation Database)), is uninformative in the assessment of its pathogenicity. Analysis of this variant using bioinformatics tools for the prediction of the effect of amino acid changes on protein structure and function yielded predictions that this variant is benign. Based on the available information, we are unable to determine the clinical significance of this variant.

NM_000384.3(APOB):c.12382G>T (p.Val4128Leu)

Gene: APOB (apolipoprotein B; minus strand). Cytogenetic location: 2p24.1.
Variant type: single nucleotide variant.
Coding change: c.12382G>T on transcript NM_000384.3 (MANE Select); coding-DNA position 12382, G replaced by T.
Protein change: p.Val4128Leu; replaces valine 4128 with leucine.
Molecular consequence: missense variant.
Genome position (GRCh38, 1-based): chr2:21,003,040, C>A on the plus strand (G>T on the coding strand, the complement: APOB is on the minus strand). VCF-style: chr2-21003040-C-A. GRCh37 (hg19) VCF-style: chr2-21225912-C-A.
Other names: short protein forms V4128L.
Identifiers: ClinVar variation 3572065 (VCV003572065.1).